The following is an entry in ClinVar:

ClinVar aggregate classification (germline): Conflicting classifications of pathogenicity. Review status: criteria provided, conflicting classifications (1 of 4 stars). 4 submissions from 4 submitters: Uncertain significance (3); Likely benign (1). Last evaluated 2025-11-30.

Conditions:
Hereditary cancer-predisposing syndrome. Also called: Neoplastic Syndromes, Hereditary; Tumor predisposition; Hereditary neoplastic syndrome; Hereditary Cancer Syndrome. Identifiers: Orphanet 140162, MedGen C0027672, MeSH D009386, MONDO:0015356.
Multiple endocrine neoplasia, type 1 (MEN1). Also called: MEN I; WERMER SYNDROME; Endocrine adenomatosis multiple; MEN 1; MEA I. Identifiers: Orphanet 652, MedGen C0025267, MeSH D018761, MONDO:0007540, OMIM 131100.

Allele frequency attached by ClinVar (database versions not stated): gnomAD exomes below 0.00001 and 0.00001; ExAC 0.00001.

Submissions (4):

Labcorp Genetics (formerly Invitae), Labcorp
Classification: Likely benign for Multiple endocrine neoplasia, type 1. Last evaluated: 2025-11-30. Review status: criteria provided, single submitter. Criteria: Invitae Variant Classification Sherloc (09022015). Collection method: clinical testing. Allele origin: germline.

Color Diagnostics, LLC DBA Color Health
Classification: Uncertain significance for Multiple endocrine neoplasia, type 1. Last evaluated: 2025-07-03. Review status: criteria provided, single submitter. Criteria: ACMG Guidelines, 2015. Collection method: clinical testing. Allele origin: germline.
Comment: This missense variant replaces valine with alanine at codon 162 of the MEN1 protein. Computational prediction suggests that this variant may have deleterious impact on protein structure and function. To our knowledge, functional studies have not been reported for this variant. This variant has been reported in an individual affected with acromegaly and late-onset primary hyperparathyroidism (PMID: 33125695) and in a second individual affected with cancers of the breast, uterus and thyroid (PMID: 34326862). This variant has been identified in 2/250128 chromosomes in the general population by the Genome Aggregation Database (gnomAD). The available evidence is insufficient to determine the role of this variant in disease conclusively. Therefore, this variant is classified as a Variant of Uncertain Significance.

Ambry Genetics
Classification: Uncertain significance for Hereditary cancer-predisposing syndrome. Last evaluated: 2024-12-11. Review status: criteria provided, single submitter. Criteria: Ambry Variant Classification Scheme 2023. Collection method: clinical testing. Allele origin: germline.
Comment: The p.V162A variant (also known as c.485T>C), located in coding exon 2 of the MEN1 gene, results from a T to C substitution at nucleotide position 485. The valine at codon 162 is replaced by alanine, an amino acid with similar properties. This variant has been observed in an individual with clinical features of multiple endocrine neoplasia type 1 (Godlewska M et al. Endokrynol Pol, 2020 Oct;71:579-580). This amino acid position is highly conserved in available vertebrate species. In addition, this alteration is predicted to be deleterious by in silico analysis. Since supporting evidence is limited at this time, the clinical significance of this alteration remains unclear.

Baylor Genetics
Classification: Uncertain significance for Multiple Endocrine Neoplasia Type 1. Last evaluated: 2024-02-02. Review status: criteria provided, single submitter. Criteria: ACMG Guidelines, 2015. Collection method: clinical testing. Allele origin: unknown.

Literature cited by the submitters: PubMed 33125695 (cited by Color Diagnostics, LLC DBA Color Health and Ambry Genetics); PubMed 34326862 (cited by Color Diagnostics, LLC DBA Color Health).

NM_001370259.2(MEN1):c.485T>C (p.Val162Ala)

Gene: MEN1 (menin 1; minus strand). Cytogenetic location: 11q13.1.
Variant type: single nucleotide variant.
Coding change: c.485T>C on transcript NM_001370259.2 (MANE Select); coding-DNA position 485, T replaced by C.
Protein change: p.Val162Ala; replaces valine 162 with alanine.
Molecular consequence: missense variant.
Genome position (GRCh38, 1-based): chr11:64,808,060, A>G on the plus strand (T>C on the coding strand, the complement: MEN1 is on the minus strand). VCF-style: chr11-64808060-A-G. GRCh37 (hg19) VCF-style: chr11-64575532-A-G.
Other names: c.500T>C, p.Val167Ala (NM_000244.4, NM_130800.3, NM_130801.3 and 3 more transcripts); c.485T>C, p.Val162Ala (NM_001370251.2, NM_001370260.2, NM_001370261.2 and 3 more transcripts); short protein forms V162A, V167A.
Identifiers: ClinVar variation 527277 (VCV000527277.14), dbSNP rs748648909, ClinGen allele CA061208.